The following is an entry in ClinVar:

ClinVar aggregate classification (germline): Pathogenic. Review status: criteria provided, multiple submitters, no conflicts (2 of 4 stars). 2 submissions from 2 submitters: Pathogenic (2). Last evaluated 2020-08-25.

Conditions:
Hereditary angioedema type 1 (HAE1). Identifiers: Orphanet 100050, Orphanet 100051, Orphanet 91378, MedGen C2717906, MONDO:0015053, OMIM 106100.

Submissions (2):

Division of Rheumatology, Allergy and Immunology, UCSD
Classification: Pathogenic for Hereditary angioedema type 1. Last evaluated: 2020-08-25. Review status: criteria provided, single submitter. Criteria: ACMG Guidelines, 2015. Collection method: research. Allele origin: somatic. Affected: yes. Observed: 1 variant allele.
Comment: Predicted loss-of-function (LOF) associated with low C1-INH plasma levels in patients with hereditary angioedema symptoms.

Center for Human Genetics and Genomic Medicine, Uniklinik Rwth Aachen
Classification: Pathogenic for Hereditary angioedema type 1. Review status: criteria provided, single submitter. Criteria: ACMG Guidelines, 2015. Collection method: clinical testing. Allele origin: unknown. Inheritance: Autosomal dominant inheritance. Affected: yes.
Comment: The variant is not present in the general population and has been reported to clinVar under the ID979214. The variant was ranked PVS1, PS1, PM2

NM_000062.3(SERPING1):c.314_317del (p.Pro105fs)

Gene: SERPING1 (serpin family G member 1; plus strand). Cytogenetic location: 11q12.1.
Variant type: Microsatellite.
Coding change: c.314_317del on transcript NM_000062.3 (MANE Select); coding-DNA positions 314 to 317, 4 bases deleted (CAAC; older notation c.314_317delCAAC).
Protein change: p.Pro105fs; shifts the reading frame from proline 105.
Molecular consequence: frameshift variant.
Genome position (GRCh38, 1-based): chr11:57,600,141-57,600,144, CAAC deleted; deleting any 4 consecutive bases within chr11:57,600,136-57,600,144 gives the same sequence; the c. name uses the placement nearest the transcript's 3' end. VCF-style (leftmost placement, unchanged base first): chr11-57600135-CCCAA-C. GRCh37 (hg19) VCF-style: chr11-57367608-CCCAA-C.
Other names: c.314_317del, p.Pro105fs (NM_001032295.2); short protein forms P105fs.
Identifiers: ClinVar variation 979214 (VCV000979214.4), dbSNP rs1945331796, ClinGen allele CA1975523591.